The following is an entry in ClinVar:

ClinVar aggregate classification (germline): Uncertain significance (1 of 4 stars; one submission).

Submission:

Labcorp Genetics (formerly Invitae), Labcorp
Classification: Uncertain significance. Last evaluated: 2025-05-19. Review status: criteria provided, single submitter. Criteria: Invitae Variant Classification Sherloc (09022015). Collection method: clinical testing. Allele origin: germline.
Comment: This sequence change replaces proline, which is neutral and non-polar, with arginine, which is basic and polar, at codon 1524 of the CDH23 protein (p.Pro1524Arg). This variant is not present in population databases (gnomAD no frequency). This variant has not been reported in the literature in individuals affected with CDH23-related conditions. ClinVar contains an entry for this variant (Variation ID: 1917045). Invitae Evidence Modeling of protein sequence and biophysical properties (such as structural, functional, and spatial information, amino acid conservation, physicochemical variation, residue mobility, and thermodynamic stability) has been performed for this missense variant. However, the output from this modeling did not meet the statistical confidence thresholds required to predict the impact of this variant on CDH23 protein function. In summary, the available evidence is currently insufficient to determine the role of this variant in disease. Therefore, it has been classified as a Variant of Uncertain Significance.

NM_022124.6(CDH23):c.4571C>G (p.Pro1524Arg)

Gene: CDH23 (cadherin related 23; plus strand). Cytogenetic location: 10q22.1.
Variant type: single nucleotide variant.
Coding change: c.4571C>G on transcript NM_022124.6 (MANE Select); coding-DNA position 4571, C replaced by G.
Protein change: p.Pro1524Arg; replaces proline 1524 with arginine.
Molecular consequence: missense variant.
Genome position (GRCh38, 1-based): chr10:71,740,904, C>G. VCF-style: chr10-71740904-C-G. GRCh37 (hg19) VCF-style: chr10-73500661-C-G.
Other names: short protein forms P1524R.
Identifiers: ClinVar variation 1917045 (VCV001917045.3), dbSNP rs1839717200, ClinGen allele CA377160630.